The following is an entry in ClinVar:

ClinVar aggregate classification (germline): Uncertain significance (1 of 4 stars; one submission).

Conditions:
Ciliary dyskinesia, primary, 37 (CILD37). Also called: CILIARY DYSKINESIA, PRIMARY, 37, WITH OR WITHOUT SITUS INVERSUS. Identifiers: MedGen C4539798, MONDO:0033204, OMIM 617577.
Spermatogenic failure 18. Identifiers: MedGen C4539783, MONDO:0054615, OMIM 617576.

Submission:

Labcorp Genetics (formerly Invitae), Labcorp
Classification: Uncertain significance for Ciliary dyskinesia, primary, 37; Spermatogenic failure 18. Last evaluated: 2021-04-16. Review status: criteria provided, single submitter. Criteria: Invitae Variant Classification Sherloc (09022015). Collection method: clinical testing. Allele origin: germline.
Comment: Algorithms developed to predict the effect of missense changes on protein structure and function are either unavailable or do not agree on the potential impact of this missense change (SIFT: "Deleterious"; PolyPhen-2: "Benign"; Align-GVGD: "Class C25"). In summary, the available evidence is currently insufficient to determine the role of this variant in disease. Therefore, it has been classified as a Variant of Uncertain Significance. This variant has not been reported in the literature in individuals with DNAH1-related conditions. This variant is not present in population databases (ExAC no frequency). This sequence change replaces leucine with valine at codon 1462 of the DNAH1 protein (p.Leu1462Val). The leucine residue is highly conserved and there is a small physicochemical difference between leucine and valine.

NM_015512.5(DNAH1):c.4384C>G (p.Leu1462Val)

Gene: DNAH1 (dynein axonemal heavy chain 1; plus strand). Cytogenetic location: 3p21.1.
Variant type: single nucleotide variant.
Coding change: c.4384C>G on transcript NM_015512.5 (MANE Select); coding-DNA position 4384, C replaced by G.
Protein change: p.Leu1462Val; replaces leucine 1462 with valine.
Molecular consequence: missense variant.
Genome position (GRCh38, 1-based): chr3:52,359,363, C>G. VCF-style: chr3-52359363-C-G. GRCh37 (hg19) VCF-style: chr3-52393379-C-G.
Other names: short protein forms L1462V.
Identifiers: ClinVar variation 1345872 (VCV001345872.8), dbSNP rs1346446833, ClinGen allele CA353127560.
Genomic context (GRCh38, chr3:52,359,363, plus strand): 5'-CAGACCTACTGGACCATGGAGGTGGCAGAGGCTCTGGAGGCCGGCAACCTCAGAAGCCAA[C>G]TGTTCCCCCAGCTCTGCCAGCAGGTTGGAGTCAAGAGGACCCCTGTCTGTCCCCCTCCAC-3'
Protein context (NP_056327.4, residues 1452-1472): ALEAGNLRSQ[Leu1462Val]FPQLCQQLSD